The following is an entry in ClinVar:

NM_016169.4(SUFU):c.521T>A (p.Ile174Asn)

Gene: SUFU (SUFU negative regulator of hedgehog signaling; plus strand). Cytogenetic location: 10q24.32.
Variant type: single nucleotide variant.
Coding change: c.521T>A on transcript NM_016169.4 (MANE Select); coding-DNA position 521, T replaced by A.
Protein change: p.Ile174Asn; replaces isoleucine 174 with asparagine.
Molecular consequence: missense variant.
Genome position (GRCh38, 1-based): chr10:102,592,648, T>A. VCF-style: chr10-102592648-T-A. GRCh37 (hg19) VCF-style: chr10-104352405-T-A.
Other names: c.521T>A, p.Ile174Asn (NM_001178133.2); short protein forms I174N.
Identifiers: ClinVar variation 843417 (VCV000843417.10), dbSNP rs2063415661, ClinGen allele CA377908345.
Genomic context (GRCh38, chr10:102,592,648, plus strand): 5'-CCTTCTGCAGTGGGGACCATGTGTCCTGGCACAGCCCTTTGGATAACAGTGAGTCAAGAA[T>A]TCAGCACATGCTGCTGACAGAGGACCCACAGATGCAGCCCGTGCAGACACCCTTTGGGGT-3'
Protein context (NP_057253.2, residues 164-184): HSPLDNSESR[Ile174Asn]QHMLLTEDPQ

ClinVar aggregate classification (germline): Uncertain significance (1 of 4 stars; one submission).

Conditions:
Medulloblastoma (MDB). Also called: MEDULLOBLASTOMA PREDISPOSITION SYNDROME; Medulloblastoma, somatic. Identifiers: Orphanet 616, MedGen C0025149, MeSH D008527, MONDO:0007959, OMIM 155255, HP:0002885.
Gorlin syndrome. Also called: Nevoid Basal Cell Carcinoma Syndrome; Basal cell nevus syndrome. Identifiers: Orphanet 377, MedGen C0004779, MONDO:0007187.

Submission:

Labcorp Genetics (formerly Invitae), Labcorp
Classification: Uncertain significance for Gorlin syndrome; Medulloblastoma. Last evaluated: 2019-01-02. Review status: criteria provided, single submitter. Criteria: Invitae Variant Classification Sherloc (09022015). Collection method: clinical testing. Allele origin: germline.
Comment: This sequence change replaces isoleucine with asparagine at codon 174 of the SUFU protein (p.Ile174Asn). The isoleucine residue is highly conserved and there is a large physicochemical difference between isoleucine and asparagine. This variant is not present in population databases (ExAC no frequency). This variant has not been reported in the literature in individuals with SUFU-related conditions. Algorithms developed to predict the effect of missense changes on protein structure and function (SIFT, PolyPhen-2, Align-GVGD) all suggest that this variant is likely to be disruptive, but these predictions have not been confirmed by published functional studies and their clinical significance is uncertain. In summary, the available evidence is currently insufficient to determine the role of this variant in disease. Therefore, it has been classified as a Variant of Uncertain Significance.